The following is an entry in ClinVar:

NR_120546.1(WT1-AS):n.2205C>T

Gene: WT1-AS (WT1 antisense RNA; plus strand). Cytogenetic location: 11p13.
Variant type: single nucleotide variant.
Molecular consequence: non-coding transcript variant (on NR_120546.1).
Genome position: GRCh38 VCF-style: chr11-32439250-C-T. GRCh37 (hg19) VCF-style: chr11-32460796-C-T.
Identifiers: ClinVar variation 2641705 (VCV002641705.22), dbSNP rs149384008, ClinGen allele CA5934501.

ClinVar aggregate classification (germline): Likely benign (1 of 4 stars; one submission).

Allele frequency attached by ClinVar (database versions not stated): gnomAD 0.00151; TOPMed 0.00155; 1000 Genomes Project 30x 0.00250; gnomAD exomes 0.00265; 1000 Genomes Project 0.00280; ExAC 0.00570.

Submission:

CeGaT Center for Human Genetics Tuebingen
Classification: Likely benign. Last evaluated: 2026-05-01. Review status: criteria provided, single submitter. Criteria: CeGaT Center For Human Genetics Tuebingen Variant Classification Criteria Version 2. Collection method: clinical testing. Allele origin: germline. Affected: yes. Observed: 10 variant alleles.
Comment: WT1-AS: BS2